The following is an entry in ClinVar:

ClinVar aggregate classification (germline): Uncertain significance (1 of 4 stars; one submission).

Allele frequency attached by ClinVar (database versions not stated): gnomAD exomes 0.00001; gnomAD 0.00003; TOPMed 0.00004; ExAC 0.00006; ESP Exome Variant Server 0.00008; 1000 Genomes Project 30x 0.00016; 1000 Genomes Project 0.00020.
gnomAD v4.1: 30 of 1,614,066 alleles (0.0019%); highest among the groups gnomAD compares: South Asian, 0.012%; no homozygotes.

Submission:

Labcorp Genetics (formerly Invitae), Labcorp
Classification: Uncertain significance. Last evaluated: 2022-07-19. Review status: criteria provided, single submitter. Criteria: Invitae Variant Classification Sherloc (09022015). Collection method: clinical testing. Allele origin: germline.
Comment: In summary, the available evidence is currently insufficient to determine the role of this variant in disease. Therefore, it has been classified as a Variant of Uncertain Significance. Algorithms developed to predict the effect of sequence changes on RNA splicing suggest that this variant may create or strengthen a splice site. Algorithms developed to predict the effect of missense changes on protein structure and function are either unavailable or do not agree on the potential impact of this missense change (SIFT: "Tolerated"; PolyPhen-2: "Not Available"; Align-GVGD: "Class C0"). This variant has not been reported in the literature in individuals affected with TMEM132E-related conditions. This variant is present in population databases (rs200998663, gnomAD 0.03%). This sequence change replaces arginine, which is basic and polar, with glutamine, which is neutral and polar, at codon 633 of the TMEM132E protein (p.Arg633Gln).

NM_001304438.2(TMEM132E):c.1898G>A (p.Arg633Gln)

Gene: TMEM132E (transmembrane protein 132E; plus strand). Cytogenetic location: 17q12.
Variant type: single nucleotide variant.
Coding change: c.1898G>A on transcript NM_001304438.2 (MANE Select); coding-DNA position 1898, G replaced by A.
Protein change: p.Arg633Gln; replaces arginine 633 with glutamine.
Molecular consequence: missense variant.
Genome position (GRCh38, 1-based): chr17:34,635,008, G>A. VCF-style: chr17-34635008-G-A. GRCh37 (hg19) VCF-style: chr17-32962027-G-A.
Other names: short protein forms R633Q.
Identifiers: ClinVar variation 1907016 (VCV001907016.5), dbSNP rs200998663, ClinGen allele CA8496826.